The following is an entry in ClinVar:

ClinVar aggregate classification (germline): Uncertain significance (1 of 4 stars; one submission).

Conditions:
Dyskeratosis congenita, autosomal dominant 1 (DKCA1). Also called: Dyskeratosis congenita Scoggins type. Identifiers: Orphanet 1775, MedGen C4551974, MONDO:0007485, OMIM 127550. Inheritance: Variable.

gnomAD v4.1: 1 of 765,224 alleles (0.00013%); highest among the groups gnomAD compares: East Asian, 0.0024%; no homozygotes.

Submission:

Labcorp Genetics (formerly Invitae), Labcorp
Classification: Uncertain significance for Dyskeratosis congenita, autosomal dominant 1. Last evaluated: 2025-10-04. Review status: criteria provided, single submitter. Criteria: Invitae Variant Classification Sherloc (09022015). Collection method: clinical testing. Allele origin: germline.
Comment: This variant occurs in the TERC gene, which encodes an RNA molecule that does not result in a protein product. This variant is not present in population databases (gnomAD no frequency). This variant has not been reported in the literature in individuals affected with TERC-related conditions. ClinVar contains an entry for this variant (Variation ID: 843795). This variant is located within the template/pseudoknot domain of the TERC RNA component, which is required for RNA or RNP stability (PMID: 15082312, 21844345). This variant is located in a region of TERC in which a significant number of disease causing variants have been reported (PMID: 15082312, 21844345, 21931702). These observations suggest that this may be a clinically significant region. In summary, the available evidence is currently insufficient to determine the role of this variant in disease. Therefore, it has been classified as a Variant of Uncertain Significance.

Literature cited by the submitters: PubMed 15082312; PubMed 21844345; PubMed 21931702.

NC_000003.12:g.169765024T>G

Genes: TERC (telomerase RNA component; minus strand), LOC110806306 (telomerase RNA component (TERC) promoter; plus strand). Cytogenetic location: 3q26.2.
Variant type: single nucleotide variant.
Genome position: GRCh38 VCF-style: chr3-169765024-T-G. GRCh37 (hg19) VCF-style: chr3-169482812-T-G.
Identifiers: ClinVar variation 843795 (VCV000843795.11), dbSNP rs199422261, ClinGen allele CA436715988.
Genomic context (GRCh38, chr3:169,765,024, plus strand): 5'-AGCGCGCGGGGAGCAAAAGCACGGCGCCTACGCCCTTCTCAGTTAGGGTTAGACAAAAAA[T>G]GGCCACCACCCCTCCCAGGCCCACCCTCCGCAACCCGGTGCGCTGCCGGGCGAGTCGGCT-3'